The following is an entry in ClinVar:

ClinVar aggregate classification (germline): Uncertain significance (1 of 4 stars; one submission).

Submission:

GeneDx
Classification: Uncertain significance. Last evaluated: 2023-11-22. Review status: criteria provided, single submitter. Criteria: GeneDx Variant Classification Process June 2021. Collection method: clinical testing. Allele origin: germline. Affected: yes.
Comment: Not observed at significant frequency in large population cohorts (gnomAD); In silico analysis supports that this missense variant has a deleterious effect on protein structure/function; Has not been previously published as pathogenic or benign to our knowledge

NM_001195553.2(DCX):c.96C>A (p.Ser32Arg)

Gene: DCX (doublecortin; minus strand). Cytogenetic location: Xq23.
Variant type: single nucleotide variant.
Coding change: c.96C>A on transcript NM_001195553.2 (MANE Select); coding-DNA position 96, C replaced by A.
Protein change: p.Ser32Arg; replaces serine 32 with arginine.
Molecular consequence: missense variant.
Genome position (GRCh38, 1-based): chrX:111,410,303, G>T on the plus strand (C>A on the coding strand, the complement: DCX is on the minus strand). VCF-style: chrX-111410303-G-T. GRCh37 (hg19) VCF-style: chrX-110653531-G-T.
Other names: c.339C>A, p.Ser113Arg (NM_000555.3); c.96C>A, p.Ser32Arg (NM_001369370.1, NM_001369371.1, NM_001369372.1 and 6 more transcripts); short protein forms S113R, S32R.
Identifiers: ClinVar variation 3364795 (VCV003364795.1).